The following is an entry in ClinVar:

NM_001372080.1(ZSCAN29):c.1109AGG[1] (p.Glu371del)

Gene: ZSCAN29 (zinc finger and SCAN domain containing 29; minus strand). Cytogenetic location: 15q15.3.
Variant type: Microsatellite.
Coding change: c.1109AGG[1] on transcript NM_001372080.1 (MANE Select); one copy of the 3-base unit AGG starting at c.1109; the reference has two copies in a row; one copy, 3 bases deleted.
Protein change: p.Glu371del; deletes glutamic acid 371.
Genome position (GRCh38, 1-based): chr15:43,366,218-43,366,220, CCT deleted on the plus strand (AGG on the coding strand, the reverse complement: ZSCAN29 is on the minus strand); deleting any 3 consecutive bases within chr15:43,366,218-43,366,224 gives the same sequence; the position shown is the placement nearest the transcript's 3' end. VCF-style (leftmost placement, unchanged base first): chr15-43366217-CCCT-C. GRCh37 (hg19) VCF-style: chr15-43658415-CCCT-C.
Other names: c.1109AGG[1], p.Glu371del (NM_152455.4); short protein forms E371del.
Identifiers: ClinVar variation 3038810 (VCV003038810.2), dbSNP rs151154169, ClinGen allele CA7523346.
Genomic context (GRCh38, chr15:43,366,217, plus strand): 5'-GGGGTCGCCTCTAGATCCATGTCATCACTGTCAGACTCCTGAGCCACAGCCTCTTCTGCT[CCCT>C]CCTCATGCTGCCAGCCCCTCTGCCCTGGCTCTTCAGTCTCAGCATCGCTGCCTACCAGGC-3'

ClinVar aggregate classification (germline): Benign (0 of 4 stars; one submission).

Conditions:
ZSCAN29-related disorder. Also called: ZSCAN29-related condition.

Submission:

PreventionGenetics, part of Exact Sciences
Classification: Benign for ZSCAN29-related condition. Last evaluated: 2019-06-11. Review status: no assertion criteria provided. Collection method: clinical testing. Allele origin: germline.
Comment: This variant is classified as benign based on ACMG/AMP sequence variant interpretation guidelines (Richards et al. 2015 PMID: 25741868, with internal and published modifications).